The following is an entry in ClinVar:

ClinVar aggregate classification (germline): Uncertain significance (1 of 4 stars; one submission).

Conditions:
Inborn genetic diseases. Identifiers: MedGen C0950123, MeSH D030342.

Submission:

Ambry Genetics
Classification: Uncertain significance for Inborn genetic diseases. Last evaluated: 2024-12-22. Review status: criteria provided, single submitter. Criteria: Ambry Variant Classification Scheme 2023. Collection method: clinical testing. Allele origin: germline.
Comment: The p.G728R variant (also known as c.2182G>C), located in coding exon 8 of the MECOM gene, results from a G to C substitution at nucleotide position 2182. The glycine at codon 728 is replaced by arginine, an amino acid with dissimilar properties. This amino acid position is conserved. In addition, this alteration is predicted to be tolerated by in silico analysis. Based on the available evidence, the clinical significance of this variant remains unclear.

NM_004991.4(MECOM):c.2182G>C (p.Gly728Arg)

Gene: MECOM (MDS1 and EVI1 complex locus; minus strand). Cytogenetic location: 3q26.2.
Variant type: single nucleotide variant.
Coding change: c.2182G>C on transcript NM_004991.4 (MANE Select); coding-DNA position 2182, G replaced by C.
Protein change: p.Gly728Arg; replaces glycine 728 with arginine.
Molecular consequence: missense variant.
Genome position (GRCh38, 1-based): chr3:169,115,690, C>G on the plus strand (G>C on the coding strand, the complement: MECOM is on the minus strand). VCF-style: chr3-169115690-C-G. GRCh37 (hg19) VCF-style: chr3-168833478-C-G.
Other names: c.1813G>C, p.Gly605Arg (NM_001105077.4); c.1618G>C, p.Gly540Arg (NM_001105078.4, NM_001164000.2, NM_001205194.2 and 4 more transcripts); c.1621G>C, p.Gly541Arg (NM_001163999.2, NM_001366467.2, NM_001366468.2 and 1 more transcripts); c.2182G>C, p.Gly728Arg (NM_001366466.2); c.1210G>C, p.Gly404Arg (NM_001366473.2); c.646G>C, p.Gly216Arg (NM_001366474.2); short protein forms G404R, G540R, G605R, G728R, G216R, G541R.
Identifiers: ClinVar variation 3871635 (VCV003871635.1).
Genomic context (GRCh38, chr3:169,115,690, plus strand): 5'-GCTTAGTGGTGAGATCAAAGGGGGACTCAGAGCTGCCCTTCTGCAGTTTCTTTACTTCAC[C>G]TGGTGATTGGGGTTCCATTTTCAAAGGTAACGATCTCAAGTCTCTATCAGGAAATGGGTA-3'
Protein context (NP_004982.2, residues 718-738): LPLKMEPQSP[Gly728Arg]EVKKLQKGSS